The following is an entry in ClinVar:

ClinVar aggregate classification (germline): Likely benign (1 of 4 stars; one submission).

Allele frequency attached by ClinVar (database versions not stated): TOPMed 0.01486; 1000 Genomes Project 0.01717; 1000 Genomes Project 30x 0.01858.
gnomAD v4.1: 2,006 of 152,318 alleles (1.3%); highest among the groups gnomAD compares: African/African-American, 4.6%; 51 homozygotes.

Submission:

GeneDx
Classification: Likely benign. Last evaluated: 2022-02-08. Review status: criteria provided, single submitter. Criteria: GeneDx Variant Classification Process June 2021. Collection method: clinical testing. Allele origin: germline. Affected: yes.
Comment: See Variant Classification Assertion Criteria.

NM_198994.3(TGM6):c.1679-184A>G

Gene: TGM6 (transglutaminase 6; plus strand). Cytogenetic location: 20p13.
Variant type: single nucleotide variant.
Coding change: c.1679-184A>G on transcript NM_198994.3 (MANE Select); 184 bases into the intron before coding-DNA position 1679, A replaced by G.
Molecular consequence: intron variant.
Genome position (GRCh38, 1-based): chr20:2,430,262, A>G. VCF-style: chr20-2430262-A-G. GRCh37 (hg19) VCF-style: chr20-2410908-A-G.
Other names: c.1679-184A>G (NM_001254734.2).
Identifiers: ClinVar variation 1700483 (VCV001700483.2), dbSNP rs74955193, ClinGen allele CA310859926.